The following is an entry in ClinVar:

NM_005560.6(LAMA5):c.7371C>T (p.Leu2457=)

Gene: LAMA5 (laminin subunit alpha 5; minus strand). Cytogenetic location: 20q13.33.
Variant type: single nucleotide variant.
Coding change: c.7371C>T on transcript NM_005560.6 (MANE Select); coding-DNA position 7371, C replaced by T.
Protein change: p.Leu2457=; no amino-acid change (leucine 2457 retained).
Molecular consequence: synonymous variant.
Genome position (GRCh38, 1-based): chr20:62,317,485, G>A on the plus strand (C>T on the coding strand, the complement: LAMA5 is on the minus strand). VCF-style: chr20-62317485-G-A. GRCh37 (hg19) VCF-style: chr20-60892541-G-A.
Identifiers: ClinVar variation 3033051 (VCV003033051.2), dbSNP rs760930386, ClinGen allele CA9941257.

ClinVar aggregate classification (germline): Likely benign (0 of 4 stars; one submission).

Conditions:
LAMA5-related disorder. Also called: LAMA5-Related Disorders; LAMA5-related condition.

Allele frequency attached by ClinVar (database versions not stated): ExAC 0.00002; gnomAD exomes 0.00002; TOPMed 0.00003; gnomAD 0.00004.
gnomAD v4.1: 40 of 1,548,922 alleles (0.0026%); highest among the groups gnomAD compares: East Asian, 0.0069%; no homozygotes.

Submission:

PreventionGenetics, part of Exact Sciences
Classification: Likely benign for LAMA5-related condition. Last evaluated: 2022-07-06. Review status: no assertion criteria provided. Collection method: clinical testing. Allele origin: germline.
Comment: This variant is classified as likely benign based on ACMG/AMP sequence variant interpretation guidelines (Richards et al. 2015 PMID: 25741868, with internal and published modifications).